The following is an entry in ClinVar:

ClinVar aggregate classification (germline): Pathogenic (1 of 4 stars; one submission).

Conditions:
Hereditary cancer-predisposing syndrome. Also called: Hereditary Cancer Syndrome; Hereditary neoplastic syndrome; Neoplastic Syndromes, Hereditary; Tumor predisposition. Identifiers: Orphanet 140162, MedGen C0027672, MeSH D009386, MONDO:0015356.

Submission:

Ambry Genetics
Classification: Pathogenic for Hereditary cancer-predisposing syndrome. Last evaluated: 2018-12-27. Review status: criteria provided, single submitter. Criteria: Ambry Variant Classification Scheme 2023. Collection method: clinical testing. Allele origin: germline.
Comment: The c.1528_1529dupAG pathogenic mutation, located in coding exon 4 of the MSH6 gene, results from a duplication of AG at nucleotide position 1528, causing a translational frameshift with a predicted alternate stop codon (p.R511Ffs*61). This alteration is expected to result in loss of function by premature protein truncation or nonsense-mediated mRNA decay. As such, this alteration is interpreted as a disease-causing mutation.

NM_000179.3(MSH6):c.1528_1529dup (p.Arg511fs)

Gene: MSH6 (mutS homolog 6; plus strand). Cytogenetic location: 2p16.3.
Variant type: Duplication.
Coding change: c.1528_1529dup on transcript NM_000179.3 (MANE Select); coding-DNA positions 1528 to 1529, 2 bases duplicated (AG; older notation c.1528_1529dupAG).
Protein change: p.Arg511fs; shifts the reading frame from arginine 511.
Molecular consequence: frameshift variant.
Genome position (GRCh38, 1-based): chr2:47,799,511-47,799,512, AG duplicated; duplicating any 2 consecutive bases within chr2:47,799,510-47,799,512 gives the same sequence; the c. name uses the placement nearest the transcript's 3' end. VCF-style (leftmost placement, unchanged base first): chr2-47799509-T-TGA. GRCh37 (hg19) VCF-style: chr2-48026648-T-TGA.
Other names: c.1138_1139dup, p.Arg381fs (NM_001281492.2); c.622_623dup, p.Arg209fs (NM_001281493.2, NM_001281494.2); c.1624_1625dup, p.Arg543Glyfs (NM_001406795.1, NM_001406802.1); c.1528_1529dup, p.Arg511Glyfs (NM_001406796.1, NM_001406798.1, NM_001406800.1 and 4 more transcripts); c.1231_1232dup, p.Arg412Glyfs (NM_001406797.1, NM_001406801.1, NM_001406805.1 and 10 more transcripts); c.1003_1004dup, p.Arg336Glyfs (NM_001406799.1, NM_001406806.1, NM_001406807.1); c.1450_1451dup, p.Arg485Glyfs (NM_001406804.1); c.622_623dup, p.Arg209Glyfs (NM_001406811.1, NM_001406812.1, NM_001406814.1 and 4 more transcripts); and 3 more; short protein forms R381fs, R511fs, R209fs.
Identifiers: ClinVar variation 1774551 (VCV001774551.2), dbSNP rs2530614399, ClinGen allele CA2580067637.
Genomic context (GRCh38, chr2:47,799,509, plus strand): 5'-CAGAAATGATGGAGGCACGATGTAGAAAGATGGCACATATATCCAAGTATGATAGAGTGG[T>TGA]GAGGAGGGAGATCTGTAGGATCATTACCAAGGGTACACAGACTTACAGTGTGCTGGAAGG-3'